The following is an entry in ClinVar:

ClinVar aggregate classification (germline): Pathogenic (1 of 4 stars; one submission).

Conditions:
Pancytopenia due to IKZF1 mutations. Also called: Immunodeficiency, common variable, 13. Identifiers: Orphanet 317473, MedGen C4225173, MONDO:0014810, OMIM 616873.

Submission:

Rady Children's Institute for Genomic Medicine, Rady Children's Hospital San Diego
Classification: Pathogenic for Pancytopenia due to IKZF1 mutations. Last evaluated: 2019-05-16. Review status: criteria provided, single submitter. Criteria: ACMG Guidelines, 2015. Collection method: clinical testing. Allele origin: de novo. Affected: yes.
Comment: This nonsense variant, found in exon 5 of 8 in one of the N-terminal zinc finger DNA-binding domains, is predicted to result in loss of normal protein function. This variant has not been previously described or functionally characterized in the literature to our knowledge, however, affected individuals with presumed loss-of-function variants have been reported (PMID 26981933). This variant is absent from the ExAC and gnomAD population databases and thus is presumed to be rare. IKZF1 is highly constrained and intolerant of loss of function variants (pLI score: 0.99). This result was confirmed by Sanger sequencing. Analysis of the parental samples was negative for the variant, indicating this variant likely occurred as a de novo event. Based on the available evidence, the c.546C>A (p.Cys182Ter) variant is classified as Pathogenic.

NM_006060.6(IKZF1):c.546C>A (p.Cys182Ter)

Gene: IKZF1 (IKAROS family zinc finger 1; plus strand). Cytogenetic location: 7p12.2.
Variant type: single nucleotide variant.
Coding change: c.546C>A on transcript NM_006060.6 (MANE Select); coding-DNA position 546, C replaced by A.
Protein change: p.Cys182Ter; replaces cysteine 182 with a stop codon.
Molecular consequence: nonsense. On other transcripts: intron variant (6).
Genome position (GRCh38, 1-based): chr7:50,382,664, C>A. VCF-style: chr7-50382664-C-A. GRCh37 (hg19) VCF-style: chr7-50450362-C-A.
Other names: c.546C>A, p.Cys182Ter (NM_001220765.3, NM_001220768.2, NM_001291837.2); c.285C>A, p.Cys95Ter (NM_001220767.2, NM_001220770.2, NM_001291838.2 and 1 more transcripts); c.421+5871C>A (NM_001220771.2); c.161-4681C>A (NM_001291841.1, NM_001291842.1); c.161-9065C>A (NM_001291843.1, NM_001291844.1); c.161-17254C>A (NM_001291840.1); short protein forms C182*, C95*.
Identifiers: ClinVar variation 692112 (VCV000692112.2), dbSNP rs530073586, ClinGen allele CA367531374.